The following is an entry in ClinVar:

ClinVar aggregate classification (germline): Uncertain significance. Review status: criteria provided, multiple submitters, no conflicts (2 of 4 stars). 5 submissions from 5 submitters: Uncertain significance (4). 1 of the submissions does not count toward it. Last evaluated 2025-06-12.

Conditions:
PRPH2-related disorder. Also called: PRPH2-related disorders; PRPH2-related condition. Identifiers: MedGen CN239395.
Retinitis pigmentosa (RP). Identifiers: Orphanet 791, MedGen C0035334, MeSH D012174, MONDO:0019200, OMIM 268000. Inheritance: Autosomal dominant, autosomal recessive and X linked inheritance.

Allele frequency attached by ClinVar (database versions not stated): ExAC 0.00007; ESP Exome Variant Server 0.00023; gnomAD 0.00024 and 0.00025; 1000 Genomes Project 30x 0.00031; TOPMed 0.00031; 1000 Genomes Project 0.00040.
gnomAD v4.1: 63 of 1,614,158 alleles (0.0039%); highest among the groups gnomAD compares: African/African-American, 0.076%; no homozygotes.

Submissions (5):

Labcorp Genetics (formerly Invitae), Labcorp
Classification: Uncertain significance for PRPH2-related disorder. Last evaluated: 2025-06-12. Review status: criteria provided, single submitter. Criteria: Invitae Variant Classification Sherloc (09022015). Collection method: clinical testing. Allele origin: germline.
Comment: This sequence change replaces tryptophan, which is neutral and slightly polar, with cysteine, which is neutral and slightly polar, at codon 25 of the PRPH2 protein (p.Trp25Cys). This variant is present in population databases (rs146686238, gnomAD 0.1%). This missense change has been observed in individual(s) with clinical features of PRPH2-related conditions (PMID: 22863181, 32531846). ClinVar contains an entry for this variant (Variation ID: 858947). Invitae Evidence Modeling of protein sequence and biophysical properties (such as structural, functional, and spatial information, amino acid conservation, physicochemical variation, residue mobility, and thermodynamic stability) indicates that this missense variant is expected to disrupt PRPH2 protein function with a positive predictive value of 95%. In summary, the available evidence is currently insufficient to determine the role of this variant in disease. Therefore, it has been classified as a Variant of Uncertain Significance.

PreventionGenetics, part of Exact Sciences
Classification: Uncertain significance for PRPH2-related condition. Last evaluated: 2025-01-24. Review status: criteria provided, single submitter. Criteria: ACMG Guidelines, 2015. Collection method: clinical testing. Allele origin: germline.
Comment: The PRPH2 c.75G>C variant is predicted to result in the amino acid substitution p.Trp25Cys. This variant has been reported along with a PRPH2 nonsense variant in an individual with retinal disease (Strom et al. 2012. PubMed ID: 22863181) and with uncertain significance in two cohort studies of PRPH2-related retinal disease (Table S3, Reeves et al. 2020. PubMed ID: 32531846; Table S2, Peeters et al. 2021. PubMed ID: 34411390). This variant is present in 0.11% of alleles in individuals of African descent in gnomAD, which may be too common to be a primary cause of disease. At this time, the clinical significance of this variant is uncertain due to the absence of conclusive functional and genetic evidence.

Blueprint Genetics
Classification: Uncertain significance. Last evaluated: 2022-08-11. Review status: criteria provided, single submitter. Criteria: ACMG Guidelines, 2015. Collection method: clinical testing. Allele origin: germline.

NEI Ophthalmic Genomics Laboratory, National Institutes of Health
Classification: Uncertain significance for Retinitis pigmentosa. Last evaluated: 2020-01-07. Review status: criteria provided, single submitter. Criteria: ACMG Guidelines, 2015. Collection method: clinical testing. Allele origin: germline. Affected: yes.
Comment: The variant NM_000322.4:c.75G>C in the PRPH2 gene has been previously studied(PMID 22863181). This variant is listed in dbSNP and/or HGMD (rs146686238,CM127070). It is present in gnomAD browser (AF 0.0000609). This variant is not already listed in ClinVar. It is not enriched in the PRPH2 disease cohort. We invoked ACMG criteria [PM2, PP3] and classified NM_000322.4:c.75G>C in the PRPH2 gene as a Variant of Uncertain Significance.

Leiden Open Variation Database
Classification: Uncertain significance. Last evaluated: 2021-04-06. Review status: no assertion criteria provided. Collection method: curation. Allele origin: germline. Affected: yes. Not counted in ClinVar's aggregate classification.
Comment: Curator: Global Variome, with Curator vacancy. Submitter to LOVD: Manon Peeters.

Literature cited by the submitters: PubMed 22863181 (cited by Labcorp Genetics (formerly Invitae), Labcorp and Leiden Open Variation Database); PubMed 32531846 (cited by Labcorp Genetics (formerly Invitae), Labcorp and Leiden Open Variation Database).

NM_000322.5(PRPH2):c.75G>C (p.Trp25Cys)

Gene: PRPH2 (peripherin 2; minus strand). Cytogenetic location: 6p21.1.
Variant type: single nucleotide variant.
Coding change: c.75G>C on transcript NM_000322.5 (MANE Select); coding-DNA position 75, G replaced by C.
Protein change: p.Trp25Cys; replaces tryptophan 25 with cysteine.
Molecular consequence: missense variant.
Genome position (GRCh38, 1-based): chr6:42,722,260, C>G on the plus strand (G>C on the coding strand, the complement: PRPH2 is on the minus strand). VCF-style: chr6-42722260-C-G. GRCh37 (hg19) VCF-style: chr6-42689998-C-G.
Other names: short protein forms W25C.
Identifiers: ClinVar variation 858947 (VCV000858947.12), dbSNP rs146686238, ClinGen allele CA3808667.